The following is an entry in ClinVar:

ClinVar aggregate classification (germline): Uncertain significance (1 of 4 stars; one submission).

Allele frequency attached by ClinVar (database versions not stated): TOPMed below 0.00001; gnomAD 0.00001; gnomAD exomes 0.00001.
gnomAD v4.1: 4 of 1,614,046 alleles (0.00025%); highest among the groups gnomAD compares: Non-Finnish European, 0.00034%; no homozygotes.

Submission:

Labcorp Genetics (formerly Invitae), Labcorp
Classification: Uncertain significance. Last evaluated: 2023-05-27. Review status: criteria provided, single submitter. Criteria: Invitae Variant Classification Sherloc (09022015). Collection method: clinical testing. Allele origin: germline.
Comment: This sequence change replaces histidine, which is basic and polar, with arginine, which is basic and polar, at codon 1077 of the TET2 protein (p.His1077Arg). In summary, the available evidence is currently insufficient to determine the role of this variant in disease. Therefore, it has been classified as a Variant of Uncertain Significance. An algorithm developed to predict the effect of missense changes on protein structure and function (PolyPhen-2) suggests that this variant is likely to be tolerated. This variant has not been reported in the literature in individuals affected with TET2-related conditions. This variant is present in population databases (no rsID available, gnomAD 0.007%).

NM_001127208.3(TET2):c.3230A>G (p.His1077Arg)

Genes: TET2 (tet methylcytosine dioxygenase 2; plus strand), TET2-AS1 (TET2 antisense RNA 1; minus strand). Cytogenetic location: 4q24.
Variant type: single nucleotide variant.
Coding change: c.3230A>G on transcript NM_001127208.3 (MANE Select); coding-DNA position 3230, A replaced by G.
Protein change: p.His1077Arg; replaces histidine 1077 with arginine.
Molecular consequence: missense variant.
Genome position (GRCh38, 1-based): chr4:105,237,172, A>G. VCF-style: chr4-105237172-A-G. GRCh37 (hg19) VCF-style: chr4-106158329-A-G.
Other names: c.3230A>G, p.His1077Arg (NM_017628.4); short protein forms H1077R.
Identifiers: ClinVar variation 3003215 (VCV003003215.3), dbSNP rs1367035829, ClinGen allele CA357802627.
Genomic context (GRCh38, chr4:105,237,172, plus strand): 5'-AAATGTCAGGGCCAGTCACAGTTTTGACTAGACAAACCACTGCTGCAGAACTTGATAGCC[A>G]CACCCCAGCTTTAGAGCAGCAAACAACTTCTTCAGAAAAGACACCAACCAAAAGAACAGC-3'
Protein context (NP_001120680.1, residues 1067-1087): RQTTAAELDS[His1077Arg]TPALEQQTTS